The following is an entry in ClinVar:

NM_002878.4(RAD51D):c.356G>A (p.Cys119Tyr)

Genes: RAD51L3-RFFL (RAD51L3-RFFL readthrough; minus strand), RAD51D (RAD51 paralog D; minus strand). Cytogenetic location: 17q12.
Variant type: single nucleotide variant.
Coding change: c.356G>A on transcript NM_002878.4 (MANE Select); coding-DNA position 356, G replaced by A.
Protein change: p.Cys119Tyr; replaces cysteine 119 with tyrosine.
Molecular consequence: missense variant. On other transcripts: non-coding transcript variant (1), intron variant (1).
Genome position (GRCh38, 1-based): chr17:35,107,112, C>T on the plus strand (G>A on the coding strand, the complement: RAD51D is on the minus strand). VCF-style: chr17-35107112-C-T. GRCh37 (hg19) VCF-style: chr17-33434131-C-T.
Other names: c.416G>A, p.Cys139Tyr (NM_001142571.2); c.145-631G>A (NM_133629.3); short protein forms C119Y, C139Y.
Identifiers: ClinVar variation 234195 (VCV000234195.26), dbSNP rs759730492, ClinGen allele CA8499487.
Genomic context (GRCh38, chr17:35,107,112, plus strand): 5'-CCATTGGAATCTACATATAGGACGTTTTGCTGCAGGCCATGGGCCACATTTGCTGCCATA[C>T]AGAGACATACCTGGGGGTGGGGGCATTGGATGAACTTGACACTTCAGAGAGGGTCCAGAT-3'
Protein context (NP_002869.3, residues 109-129): PGSGKTQVCL[Cys119Tyr]MAANVAHGLQ

ClinVar aggregate classification (germline): Uncertain significance. Review status: criteria provided, multiple submitters, no conflicts (2 of 4 stars). 8 submissions from 8 submitters: Uncertain significance (8). Last evaluated 2026-01-26.

Conditions:
Hereditary cancer-predisposing syndrome. Also called: Neoplastic Syndromes, Hereditary; Tumor predisposition; Hereditary Cancer Syndrome; Hereditary neoplastic syndrome. Identifiers: Orphanet 140162, MedGen C0027672, MeSH D009386, MONDO:0015356.
Breast-ovarian cancer, familial, susceptibility to, 4. Identifiers: Orphanet 145, MedGen C3280345, MONDO:0013669, OMIM 614291.

Allele frequency attached by ClinVar (database versions not stated): gnomAD exomes below 0.00001 and 0.00002; gnomAD 0.00001; TOPMed 0.00001; ExAC 0.00002.
gnomAD v4.1: 8 of 1,613,938 alleles (0.0005%); highest among the groups gnomAD compares: Admixed American, 0.01%; no homozygotes.

Submissions (8):

Labcorp Genetics (formerly Invitae), Labcorp
Classification: Uncertain significance for Breast-ovarian cancer, familial, susceptibility to, 4. Last evaluated: 2026-01-26. Review status: criteria provided, single submitter. Criteria: Invitae Variant Classification Sherloc (09022015). Collection method: clinical testing. Allele origin: germline.
Comment: This sequence change replaces cysteine, which is neutral and slightly polar, with tyrosine, which is neutral and polar, at codon 119 of the RAD51D protein (p.Cys119Tyr). This variant is present in population databases (rs759730492, gnomAD 0.01%). This missense change has been observed in individual(s) with hereditary breast cancer (PMID: 31206626). ClinVar contains an entry for this variant (Variation ID: 234195). Invitae Evidence Modeling of protein sequence and biophysical properties (such as structural, functional, and spatial information, amino acid conservation, physicochemical variation, residue mobility, and thermodynamic stability) indicates that this missense variant is not expected to disrupt RAD51D protein function with a negative predictive value of 80%. In summary, the available evidence is currently insufficient to determine the role of this variant in disease. Therefore, it has been classified as a Variant of Uncertain Significance.

Women's Health and Genetics/Laboratory Corporation of America, LabCorp
Classification: Uncertain significance. Last evaluated: 2025-03-21. Review status: criteria provided, single submitter. Criteria: LabCorp Variant Classification Summary - May 2015. Collection method: clinical testing. Allele origin: germline.
Comment: Variant summary: RAD51D c.356G>A (p.Cys119Tyr) results in a non-conservative amino acid change located in the AAA+ ATPase domain (IPR003593) of the encoded protein sequence. Three of four in-silico tools predict a damaging effect of the variant on protein function. The variant allele was found at a frequency of 2.4e-05 in 251398 control chromosomes. The available data on variant occurrences in the general population are insufficient to allow any conclusion about variant significance. c.356G>A has been reported in the literature in at-least one individual affected with BRCA-mutation-negative hereditary breast cancer without evidence for causality (Weitzel_2019). These report(s) do not provide unequivocal conclusions about association of the variant with Hereditary Breast And Ovarian Cancer Syndrome. Co-occurrences with other pathogenic variant(s) have been reported (MLH1 c.677+1G>T), providing supporting evidence for a benign role. To our knowledge, no experimental evidence demonstrating an impact on protein function has been reported. The following publication have been ascertained in the context of this evaluation (PMID: 31206626). ClinVar contains an entry for this variant (Variation ID: 234195). Based on the evidence outlined above, the variant was classified as uncertain significance.

Ambry Genetics
Classification: Uncertain significance for Hereditary cancer-predisposing syndrome. Last evaluated: 2025-03-10. Review status: criteria provided, single submitter. Criteria: Ambry Variant Classification Scheme 2023. Collection method: clinical testing. Allele origin: germline.
Comment: The p.C119Y variant (also known as c.356G>A), located in coding exon 5 of the RAD51D gene, results from a G to A substitution at nucleotide position 356. The cysteine at codon 119 is replaced by tyrosine, an amino acid with highly dissimilar properties. This amino acid position is well conserved in available vertebrate species. In addition, the in silico prediction for this alteration is inconclusive. Since supporting evidence is limited at this time, the clinical significance of this alteration remains unclear.

Baylor Genetics
Classification: Uncertain significance for Breast-ovarian cancer, familial, susceptibility to, 4. Last evaluated: 2023-10-11. Review status: criteria provided, single submitter. Criteria: ACMG Guidelines, 2015. Collection method: clinical testing. Allele origin: unknown.

GeneDx
Classification: Uncertain significance. Last evaluated: 2023-04-27. Review status: criteria provided, single submitter. Criteria: GeneDx Variant Classification Process June 2021. Collection method: clinical testing. Allele origin: germline. Affected: yes.
Comment: In silico analysis supports that this missense variant does not alter protein structure/function; Observed in an individual with a personal and/or family history of breast and/or ovarian cancer (Weitzel et al., 2019); This variant is associated with the following publications: (PMID: 21111057, 14704354, 19327148, 31206626)

Quest Diagnostics Nichols Institute San Juan Capistrano
Classification: Uncertain significance. Last evaluated: 2023-01-11. Review status: criteria provided, single submitter. Criteria: Quest Diagnostics criteria. Collection method: clinical testing. Allele origin: unknown.
Comment: The frequency of this variant in the general population, 0.00017 (6/34592 chromosomes), is uninformative in assessment of its pathogenicity. In the published literature, the variant has been reported in an individual with breast cancer (PMID: 31206626 (2019)). Analysis of this variant using bioinformatics tools for the prediction of the effect of amino acid changes on protein structure and function yielded conflicting predictions that this variant is benign or damaging. Based on the available information, we are unable to determine the clinical significance of this variant.

Sema4
Classification: Uncertain significance for Hereditary cancer-predisposing syndrome. Last evaluated: 2021-05-18. Review status: criteria provided, single submitter. Criteria: Sema4 Curation Guidelines. Collection method: curation. Allele origin: germline.
Comment: The RAD51D c.356G>A (p.C119Y) variant has not been reported in the literature to our knowledge. It was observed in 6/34592 chromosomes of the Latino subpopulation in the large and broad cohorts of the Genome Aggregation Database (PMID: 32461654) and has been reported in ClinVar (Variation ID 234195). In silico tools suggest the impact of the variant on protein function is inconclusive, though these predictions have not been confirmed by functional studies. The evidence is insufficient to meet ACMG/AMP criteria for classifying the variant as benign or pathogenic. Thus, the clinical significance of this variant is currently uncertain.

Color Diagnostics, LLC DBA Color Health
Classification: Uncertain significance for Hereditary cancer-predisposing syndrome. Last evaluated: 2021-03-24. Review status: criteria provided, single submitter. Criteria: ACMG Guidelines, 2015. Collection method: clinical testing. Allele origin: germline.
Comment: This missense variant replaces cysteine with tyrosine at codon 119 of the RAD51D protein. Computational prediction suggests that this variant may not impact protein structure and function (internally defined REVEL score threshold <= 0.5, PMID: 27666373). To our knowledge, functional studies have not been reported for this variant. This variant has not been reported in individuals affected with hereditary cancer in the literature. This variant has been identified in 6/251398 chromosomes in the general population by the Genome Aggregation Database (gnomAD). The available evidence is insufficient to determine the role of this variant in disease conclusively. Therefore, this variant is classified as a Variant of Uncertain Significance.

Literature cited by the submitters: PubMed 31206626 (cited by 3 submitters).